The following is an entry in ClinVar:

NM_014244.5(ADAMTS2):c.2751-4G>A

Gene: ADAMTS2 (ADAM metallopeptidase with thrombospondin type 1 motif 2; minus strand). Cytogenetic location: 5q35.3.
Variant type: single nucleotide variant.
Coding change: c.2751-4G>A on transcript NM_014244.5 (MANE Select); 4 bases into the intron before coding-DNA position 2751, G replaced by A.
Molecular consequence: intron variant.
Genome position (GRCh38, 1-based): chr5:179,125,184, C>T on the plus strand (G>A on the coding strand, the complement: ADAMTS2 is on the minus strand). VCF-style: chr5-179125184-C-T. GRCh37 (hg19) VCF-style: chr5-178552185-C-T.
Other names: p.?.
Identifiers: ClinVar variation 353099 (VCV000353099.70), dbSNP rs112155474, ClinGen allele CA3595418.

ClinVar aggregate classification (germline): Conflicting classifications of pathogenicity. Review status: criteria provided, conflicting classifications (1 of 4 stars). 10 submissions from 10 submitters: Uncertain significance (1); Benign (4); Likely benign (4). 1 of the submissions does not count toward it. Last evaluated 2026-08-01.

Conditions:
Ehlers-Danlos syndrome (EDS). Identifiers: Orphanet 98249, MedGen C0013720, MONDO:0020066.
Ehlers-Danlos syndrome, dermatosparaxis type. Also called: Dermatosparaxis; Ehlers-Danlos syndrome, type VII, autosomal recessive; EDS VIIC. Identifiers: Orphanet 1901, MedGen C2700425, MONDO:0009161, OMIM 225410.

Allele frequency attached by ClinVar (database versions not stated): 1000 Genomes Project 0.00180; 1000 Genomes Project 30x 0.00203; ExAC 0.00259; TOPMed 0.00283; gnomAD exomes 0.00284 and 0.00449; gnomAD 0.00312 and 0.00324; ESP Exome Variant Server 0.00346.
gnomAD v4.1: 6,952 of 1,612,074 alleles (0.43%); highest among the groups gnomAD compares: Non-Finnish European, 0.52%; 26 homozygotes.

Submissions (10):

CeGaT Center for Human Genetics Tuebingen
Classification: Likely benign. Last evaluated: 2026-08-01. Review status: criteria provided, single submitter. Criteria: CeGaT Center For Human Genetics Tuebingen Variant Classification Criteria Version 2. Collection method: clinical testing. Allele origin: germline. Affected: yes. Observed: 20 variant alleles.
Comment: ADAMTS2: BP4, BS2

Women's Health and Genetics/Laboratory Corporation of America, LabCorp
Classification: Benign. Last evaluated: 2026-04-07. Review status: criteria provided, single submitter. Criteria: LabCorp Variant Classification Summary - May 2015. Collection method: clinical testing. Allele origin: germline.

Labcorp Genetics (formerly Invitae), Labcorp
Classification: Benign for Ehlers-Danlos syndrome, dermatosparaxis type. Last evaluated: 2026-02-01. Review status: criteria provided, single submitter. Criteria: Invitae Variant Classification Sherloc (09022015). Collection method: clinical testing. Allele origin: germline.

Blueprint Genetics
Classification: Likely benign. Last evaluated: 2024-11-20. Review status: criteria provided, single submitter. Criteria: ACMG Guidelines, 2015. Collection method: clinical testing. Allele origin: germline.

Mayo Clinic Laboratories, Mayo Clinic
Classification: Benign. Last evaluated: 2024-05-20. Review status: criteria provided, single submitter. Criteria: ACMG Guidelines, 2015. Collection method: clinical testing. Allele origin: germline. Observed: 35 variant alleles.
Comment: BS1, BS2, BP4, BP7

Genome Diagnostics Laboratory, The Hospital for Sick Children
Classification: Benign for Ehlers-Danlos syndrome. Last evaluated: 2022-07-15. Review status: criteria provided, single submitter. Criteria: ACMG Guidelines, 2015. Collection method: clinical testing. Allele origin: germline.

GeneDx
Classification: Likely benign. Last evaluated: 2021-02-24. Review status: criteria provided, single submitter. Criteria: GeneDx Variant Classification Process June 2021. Collection method: clinical testing. Allele origin: germline. Affected: yes.

Illumina Laboratory Services, Illumina
Classification: Likely benign for Ehlers-Danlos syndrome, dermatosparaxis type. Last evaluated: 2018-01-13. Review status: criteria provided, single submitter. Criteria: ICSL Variant Classification Criteria 13 December 2019. Collection method: clinical testing. Allele origin: germline.
Comment: This variant was observed in the ICSL laboratory as part of a predisposition screen in an ostensibly healthy population. It had not been previously curated by ICSL or reported in the Human Gene Mutation Database (HGMD: prior to June 1st, 2018), and was therefore a candidate for classification through an automated scoring system. Utilizing variant allele frequency, disease prevalence and penetrance estimates, and inheritance mode, an automated score was calculated to assess if this variant is too frequent to cause the disease. Based on the score and internal cut-off values, a variant classified as likely benign is not then subjected to further curation. The score for this variant resulted in a classification of likely benign for this disease.

Eurofins Ntd Llc (ga)
Classification: Uncertain significance. Last evaluated: 2017-04-17. Review status: criteria provided, single submitter. Criteria: EGL Classification Definitions 2015. Collection method: clinical testing. Allele origin: germline. Observed: 1 variant allele, 1 heterozygote.

Natera, Inc.
Classification: Benign for Ehlers-Danlos syndrome type VIIC. Last evaluated: 2019-10-21. Review status: no assertion criteria provided. Collection method: clinical testing. Allele origin: germline. Not counted in ClinVar's aggregate classification.